The following is an entry in ClinVar:

NM_006073.4(TRDN):c.1313T>G (p.Ile438Ser)

Gene: TRDN (triadin; minus strand). Cytogenetic location: 6q22.31.
Variant type: single nucleotide variant.
Coding change: c.1313T>G on transcript NM_006073.4 (MANE Select); coding-DNA position 1313, T replaced by G.
Protein change: p.Ile438Ser; replaces isoleucine 438 with serine.
Molecular consequence: missense variant.
Genome position (GRCh38, 1-based): chr6:123,366,143, A>C on the plus strand (T>G on the coding strand, the complement: TRDN is on the minus strand). VCF-style: chr6-123366143-A-C. GRCh37 (hg19) VCF-style: chr6-123687288-A-C.
Other names: c.1316T>G, p.Ile439Ser (NM_001251987.2); short protein forms I438S, I439S.
Identifiers: ClinVar variation 227110 (VCV000227110.35), dbSNP rs2873479, ClinGen allele CA3984009.

ClinVar aggregate classification (germline): Benign. Review status: criteria provided, multiple submitters, no conflicts (2 of 4 stars). 14 submissions from 14 submitters: Benign (11). 3 of the submissions do not count toward it. Last evaluated 2026-02-04.

Conditions:
Cardiovascular phenotype. Identifiers: MedGen CN230736.
Catecholaminergic polymorphic ventricular tachycardia 5 (CARDAR). Also called: Ventricular tachycardia, catecholaminergic polymorphic, 5, with or without muscle weakness; CARDIAC ARRHYTHMIA SYNDROME, WITH OR WITHOUT SKELETAL MUSCLE WEAKNESS. Identifiers: Orphanet 3286, MedGen C3809536, MONDO:0014191, OMIM 615441.
Catecholaminergic polymorphic ventricular tachycardia 1. Also called: VENTRICULAR TACHYCARDIA, STRESS-INDUCED POLYMORPHIC 1; VENTRICULAR TACHYCARDIA, CATECHOLAMINERGIC POLYMORPHIC, 1, WITH OR WITHOUT ATRIAL DYSFUNCTION AND/OR DILATED CARDIOMYOPATHY; RYR2-Related Catecholaminergic Polymorphic Ventricular Tachycardia. Identifiers: Orphanet 3286, MedGen C1631597, MONDO:0011484, OMIM 604772.

Allele frequency attached by ClinVar (database versions not stated): ESP Exome Variant Server 0.92551; TOPMed 0.93121; 1000 Genomes Project 0.93930; 1000 Genomes Project 30x 0.94097.
gnomAD v4.1: 1,472,077 of 1,611,814 alleles (91%); highest among the groups gnomAD compares: Admixed American, 96%; 672,491 homozygotes.

Submissions (14):

Labcorp Genetics (formerly Invitae), Labcorp
Classification: Benign for Catecholaminergic polymorphic ventricular tachycardia 1. Last evaluated: 2026-02-04. Review status: criteria provided, single submitter. Criteria: Invitae Variant Classification Sherloc (09022015). Collection method: clinical testing. Allele origin: germline.

Molecular Diagnostic Laboratory for Inherited Cardiovascular Disease, Montreal Heart Institute
Classification: Benign. Last evaluated: 2025-04-09. Review status: criteria provided, single submitter. Criteria: ACMG Guidelines, 2015. Collection method: clinical testing. Allele origin: germline. Affected: no.

Blueprint Genetics
Classification: Benign. Last evaluated: 2024-11-27. Review status: criteria provided, single submitter. Criteria: ACMG Guidelines, 2015. Collection method: clinical testing. Allele origin: germline.

Women's Health and Genetics/Laboratory Corporation of America, LabCorp
Classification: Benign. Last evaluated: 2023-04-04. Review status: criteria provided, single submitter. Criteria: LabCorp Variant Classification Summary - May 2015. Collection method: clinical testing. Allele origin: germline.

Mayo Clinic Laboratories, Mayo Clinic
Classification: Benign. Last evaluated: 2022-04-26. Review status: criteria provided, single submitter. Criteria: ACMG Guidelines, 2015. Collection method: clinical testing. Allele origin: germline. Observed: 833 variant alleles.

Genome-Nilou Lab
Classification: Benign for Catecholaminergic polymorphic ventricular tachycardia 5. Last evaluated: 2021-09-10. Review status: criteria provided, single submitter. Criteria: ACMG Guidelines, 2015. Collection method: clinical testing. Allele origin: germline. Affected: no.

Mendelics
Classification: Benign for Catecholaminergic polymorphic ventricular tachycardia 5. Last evaluated: 2019-05-28. Review status: criteria provided, single submitter. Criteria: Mendelics Assertion Criteria 2017. Collection method: clinical testing. Allele origin: unknown.

GeneDx
Classification: Benign. Last evaluated: 2016-09-21. Review status: criteria provided, single submitter. Criteria: GeneDx Variant Classification (06012015). Collection method: clinical testing. Allele origin: germline. Affected: yes.
Comment: This variant is considered likely benign or benign based on one or more of the following criteria: it is a conservative change, it occurs at a poorly conserved position in the protein, it is predicted to be benign by multiple in silico algorithms, and/or has population frequency not consistent with disease.

Ambry Genetics
Classification: Benign for Cardiovascular phenotype. Last evaluated: 2015-03-09. Review status: criteria provided, single submitter. Criteria: Ambry Variant Classification Scheme 2023. Collection method: clinical testing. Allele origin: germline.

Laboratory for Molecular Medicine, Mass General Brigham Personalized Medicine
Classification: Benign. Last evaluated: 2014-11-24. Review status: criteria provided, single submitter. Criteria: LMM Criteria. Collection method: clinical testing. Allele origin: germline. Observed: 583 variant alleles.
Comment: Ile438Ser in exon 20 of TRDN: This variant is not expected to have clinical sign ificance because it has been identified in 8.4% (688/8154) of European American chromosomes from a broad population by the NHLBI Exome Sequencing Project (dbSNP rs2873479).

PreventionGenetics, part of Exact Sciences
Classification: Benign. Review status: criteria provided, single submitter. Criteria: ACMG Guidelines, 2015. Collection method: clinical testing. Allele origin: germline.

Clinical Genetics, Academic Medical Center
Classification: Benign. Review status: no assertion criteria provided. Collection method: clinical testing. Allele origin: germline. Affected: yes. Study: VKGL Data-share Consensus. Not counted in ClinVar's aggregate classification.

Diagnostic Laboratory, Department of Genetics, University Medical Center Groningen
Classification: Benign. Review status: no assertion criteria provided. Collection method: clinical testing. Allele origin: germline. Affected: yes. Study: VKGL Data-share Consensus. Not counted in ClinVar's aggregate classification.

Joint Genome Diagnostic Labs from Nijmegen and Maastricht, Radboudumc and MUMC+
Classification: Benign. Review status: no assertion criteria provided. Collection method: clinical testing. Allele origin: germline. Affected: yes. Study: VKGL Data-share Consensus. Not counted in ClinVar's aggregate classification.